The following is an entry in ClinVar:

NM_013432.5(TONSL):c.579-3C>T

Gene: TONSL (tonsoku like, DNA repair protein; minus strand). Cytogenetic location: 8q24.3.
Variant type: single nucleotide variant.
Coding change: c.579-3C>T on transcript NM_013432.5 (MANE Select); 3 bases into the intron before coding-DNA position 579, C replaced by T.
Molecular consequence: intron variant.
Genome position (GRCh38, 1-based): chr8:144,442,415, G>A on the plus strand (C>T on the coding strand, the complement: TONSL is on the minus strand). VCF-style: chr8-144442415-G-A. GRCh37 (hg19) VCF-style: chr8-145667798-G-A.
Identifiers: ClinVar variation 2419149 (VCV002419149.3), dbSNP rs140755692, ClinGen allele CA4943586.

ClinVar aggregate classification (germline): Uncertain significance (1 of 4 stars; one submission).

Allele frequency attached by ClinVar (database versions not stated): gnomAD exomes 0.00002; ExAC 0.00011; gnomAD 0.00026; TOPMed 0.00031; 1000 Genomes Project 0.00060; 1000 Genomes Project 30x 0.00062; ESP Exome Variant Server 0.00062.
gnomAD v4.1: 64 of 1,534,546 alleles (0.0042%); highest among the groups gnomAD compares: African/African-American, 0.085%; no homozygotes.

Submission:

Labcorp Genetics (formerly Invitae), Labcorp
Classification: Uncertain significance. Last evaluated: 2022-08-07. Review status: criteria provided, single submitter. Criteria: Invitae Variant Classification Sherloc (09022015). Collection method: clinical testing. Allele origin: germline.
Comment: This sequence change falls in intron 5 of the TONSL gene. It does not directly change the encoded amino acid sequence of the TONSL protein. It affects a nucleotide within the consensus splice site. This variant is present in population databases (rs140755692, gnomAD 0.1%). This variant has not been reported in the literature in individuals affected with TONSL-related conditions. Variants that disrupt the consensus splice site are a relatively common cause of aberrant splicing (PMID: 17576681, 9536098). Algorithms developed to predict the effect of sequence changes on RNA splicing suggest that this variant is not likely to affect RNA splicing. In summary, the available evidence is currently insufficient to determine the role of this variant in disease. Therefore, it has been classified as a Variant of Uncertain Significance.

Literature cited by the submitters: PubMed 17576681; PubMed 9536098.